The following is an entry in ClinVar:

ClinVar aggregate classification (germline): Likely benign (1 of 4 stars; one submission).

Allele frequency attached by ClinVar (database versions not stated): gnomAD exomes 0.00001; gnomAD 0.00004; ExAC 0.00005; ESP Exome Variant Server 0.00008; 1000 Genomes Project 0.00020; 1000 Genomes Project 30x 0.00031.
gnomAD v4.1: 30 of 1,605,008 alleles (0.0019%); highest among the groups gnomAD compares: East Asian, 0.0089%; no homozygotes.

Submission:

CeGaT Center for Human Genetics Tuebingen
Classification: Likely benign. Last evaluated: 2022-08-01. Review status: criteria provided, single submitter. Criteria: CeGaT Center For Human Genetics Tuebingen Variant Classification Criteria Version 2. Collection method: clinical testing. Allele origin: germline. Affected: yes. Observed: 1 variant allele.
Comment: FXR1: BP4, BP7

NM_005087.4(FXR1):c.1152C>T (p.Ser384=)

Gene: FXR1 (FMR1 autosomal homolog 1; plus strand). Cytogenetic location: 3q26.33.
Variant type: single nucleotide variant.
Coding change: c.1152C>T on transcript NM_005087.4 (MANE Select); coding-DNA position 1152, C replaced by T.
Protein change: p.Ser384=; no amino-acid change (serine 384 retained).
Molecular consequence: synonymous variant.
Genome position (GRCh38, 1-based): chr3:180,963,044, C>T. VCF-style: chr3-180963044-C-T. GRCh37 (hg19) VCF-style: chr3-180680832-C-T.
Other names: c.1152C>T, p.Ser384= (NM_001013438.3); c.897C>T, p.Ser299= (NM_001013439.3, NM_001363882.1).
Identifiers: ClinVar variation 1711582 (VCV001711582.30), dbSNP rs202004870, ClinGen allele CA2716727.